The following is an entry in ClinVar:

NM_005033.3(EXOSC9):c.880A>C (p.Thr294Pro)

Gene: EXOSC9 (exosome component 9; plus strand). Cytogenetic location: 4q27.
Variant type: single nucleotide variant.
Coding change: c.880A>C on transcript NM_005033.3 (MANE Select); coding-DNA position 880, A replaced by C.
Protein change: p.Thr294Pro; replaces threonine 294 with proline.
Molecular consequence: missense variant.
Genome position (GRCh38, 1-based): chr4:121,813,286, A>C. VCF-style: chr4-121813286-A-C. GRCh37 (hg19) VCF-style: chr4-122734441-A-C.
Other names: c.880A>C, p.Thr294Pro (NM_001034194.2); short protein forms T294P.
Identifiers: ClinVar variation 3384429 (VCV003384429.1).

ClinVar aggregate classification (germline): Uncertain significance (1 of 4 stars; one submission).

Submission:

GeneDx
Classification: Uncertain significance. Last evaluated: 2024-05-29. Review status: criteria provided, single submitter. Criteria: GeneDx Variant Classification Process June 2021. Collection method: clinical testing. Allele origin: germline. Affected: yes.
Comment: Not observed at significant frequency in large population cohorts (gnomAD); In silico analysis supports that this missense variant has a deleterious effect on protein structure/function; Has not been previously published as pathogenic or benign to our knowledge